The following is an entry in ClinVar:

NM_024675.4(PALB2):c.512T>C (p.Leu171Ser)

Gene: PALB2 (partner and localizer of BRCA2; minus strand). Cytogenetic location: 16p12.2.
Variant type: single nucleotide variant.
Coding change: c.512T>C on transcript NM_024675.4 (MANE Select); coding-DNA position 512, T replaced by C.
Protein change: p.Leu171Ser; replaces leucine 171 with serine.
Molecular consequence: missense variant.
Genome position (GRCh38, 1-based): chr16:23,636,034, A>G on the plus strand (T>C on the coding strand, the complement: PALB2 is on the minus strand). VCF-style: chr16-23636034-A-G. GRCh37 (hg19) VCF-style: chr16-23647355-A-G.
Other names: short protein forms L171S.
Identifiers: ClinVar variation 825469 (VCV000825469.5), dbSNP rs876658979, ClinGen allele CA395137011.

ClinVar aggregate classification (germline): Uncertain significance (1 of 4 stars; one submission).

Conditions:
Hereditary cancer-predisposing syndrome. Also called: Neoplastic Syndromes, Hereditary; Tumor predisposition; Hereditary neoplastic syndrome; Hereditary Cancer Syndrome. Identifiers: Orphanet 140162, MedGen C0027672, MeSH D009386, MONDO:0015356.

Submission:

Ambry Genetics
Classification: Uncertain significance for Hereditary cancer-predisposing syndrome. Last evaluated: 2025-10-23. Review status: criteria provided, single submitter. Criteria: Ambry Variant Classification Scheme 2023. Collection method: clinical testing. Allele origin: germline.
Comment: The p.L171S variant (also known as c.512T>C), located in coding exon 4 of the PALB2 gene, results from a T to C substitution at nucleotide position 512. The leucine at codon 171 is replaced by serine, an amino acid with dissimilar properties. This amino acid position is well conserved in available vertebrate species. In addition, this alteration is predicted to be tolerated by in silico analysis. Since supporting evidence is limited at this time, the clinical significance of this alteration remains unclear.